The following is an entry in ClinVar:

ClinVar aggregate classification (germline): Uncertain significance (1 of 4 stars; one submission).

Conditions:
Cardiovascular phenotype. Identifiers: MedGen CN230736.

Submission:

Ambry Genetics
Classification: Uncertain significance for Cardiovascular phenotype. Last evaluated: 2019-10-23. Review status: criteria provided, single submitter. Criteria: Ambry Variant Classification Scheme 2023. Collection method: clinical testing. Allele origin: germline.
Comment: The c.10449_10451delACA variant (also known as p.Q3484del) is located in coding exon 42 of the AKAP9 gene. This variant results from an in-frame ACA deletion at nucleotide positions 10449 to 10451. This results in the in-frame deletion of a glutamine at codon 3484. This amino acid position is highly conserved in available vertebrate species. In addition, this alteration is predicted to be deleterious by in silico analysis (Choi Y et al. PLoS ONE. 2012; 7(10):e46688). Since supporting evidence is limited at this time, the clinical significance of this alteration remains unclear.

NM_005751.5(AKAP9):c.10449_10451del (p.Gln3484del)

Gene: AKAP9 (A-kinase anchoring protein 9; plus strand). Cytogenetic location: 7q21.2.
Variant type: Deletion.
Coding change: c.10449_10451del on transcript NM_005751.5 (MANE Select); coding-DNA positions 10449 to 10451, 3 bases deleted (ACA; older notation c.10449_10451delACA).
Protein change: p.Gln3484del; deletes glutamine 3484.
Molecular consequence: inframe deletion.
Genome position (GRCh38, 1-based): chr7:92,097,636-92,097,638, ACA deleted; deleting any 3 consecutive bases within chr7:92,097,634-92,097,638 gives the same sequence; the c. name uses the placement nearest the transcript's 3' end. VCF-style (leftmost placement, unchanged base first): chr7-92097633-TCAA-T. GRCh37 (hg19) VCF-style: chr7-91726947-TCAA-T.
Other names: c.5094_5096del, p.Gln1699del (NM_001379277.1); c.10425_10427del, p.Gln3476del (NM_147185.3); short protein forms Q1699del, Q3484del, Q3476del.
Identifiers: ClinVar variation 1774881 (VCV001774881.2), dbSNP rs2535302633, ClinGen allele CA2580077480.